The following is an entry in ClinVar:

NM_016169.4(SUFU):c.*20=

Gene: SUFU (SUFU negative regulator of hedgehog signaling; plus strand). Cytogenetic location: 10q24.32.
Variant type: single nucleotide variant.
Coding change: c.*20= on transcript NM_016169.4 (MANE Select); 20 bases downstream of the stop codon, no change from the reference sequence.
Molecular consequence: no sequence alteration.
Genome position: GRCh38 VCF-style: chr10-102630175-T-T. GRCh37 (hg19) VCF-style: chr10-104389932-T-T.
Identifiers: ClinVar variation 496438 (VCV000496438.1), dbSNP rs2492851471.

ClinVar aggregate classification (germline): Benign (1 of 4 stars; one submission).

Allele frequency attached by ClinVar (database versions not stated): gnomAD exomes 0.00054 and 0.00025; ExAC 0.00060; gnomAD 0.00169 and 0.00177; TOPMed 0.00198; ESP Exome Variant Server 0.00215; 1000 Genomes Project 0.00260; 1000 Genomes Project 30x 0.00265.

Submission:

Women's Health and Genetics/Laboratory Corporation of America, LabCorp
Classification: Benign. Last evaluated: 2016-05-26. Review status: criteria provided, single submitter. Criteria: LabCorp Variant Classification Summary - May 2015. Collection method: clinical testing. Allele origin: germline.
Comment: Variant summary: The SUFU c.*20G>T variant involves the alteration of a non-conserved nucleotide in 3-prime UTR region. One in silico tool (MutationTaster) predicts a polymorphism outcome for this variant. This variant was found in 121323/121396 control chromosomes at a frequency of 0.9993987, which is approximately 991403 times the estimated maximal expected allele frequency of a pathogenic SUFU variant (0.000001), suggesting this variant is a very common benign polymorphism. Taken together, this variant is classified as Benign.